The following is an entry in ClinVar:

NM_003482.4(KMT2D):c.13183G>T (p.Val4395Leu)

Gene: KMT2D (lysine methyltransferase 2D; minus strand). Cytogenetic location: 12q13.12.
Variant type: single nucleotide variant.
Coding change: c.13183G>T on transcript NM_003482.4 (MANE Select); coding-DNA position 13183, G replaced by T.
Protein change: p.Val4395Leu; replaces valine 4395 with leucine.
Molecular consequence: missense variant.
Genome position (GRCh38, 1-based): chr12:49,031,522, C>A on the plus strand (G>T on the coding strand, the complement: KMT2D is on the minus strand). VCF-style: chr12-49031522-C-A. GRCh37 (hg19) VCF-style: chr12-49425305-C-A.
Other names: short protein forms V4395L.
Identifiers: ClinVar variation 2115287 (VCV002115287.5), dbSNP rs1467852277, ClinGen allele CA384706960.

ClinVar aggregate classification (germline): Conflicting classifications of pathogenicity. Review status: criteria provided, conflicting classifications (1 of 4 stars). 2 submissions from 2 submitters: Uncertain significance (1); Likely benign (1). Last evaluated 2024-10-09.

Conditions:
Kabuki syndrome. Also called: NIIKAWA-KUROKI SYNDROME; Kabuki make-up syndrome. Identifiers: Orphanet 2322, MedGen C0796004, MONDO:0016512.
KMT2D-related disorder. Also called: KMT2D-Related Disorders.

Allele frequency attached by ClinVar (database versions not stated): gnomAD exomes below 0.00001.
gnomAD v4.1: 1 of 1,610,076 alleles (0.000062%); highest among the groups gnomAD compares: Non-Finnish European, 0.000085%; no homozygotes.

Submissions (2):

PreventionGenetics, part of Exact Sciences
Classification: Uncertain significance for KMT2D-related condition. Last evaluated: 2024-10-09. Review status: criteria provided, single submitter. Criteria: ACMG Guidelines, 2015. Collection method: clinical testing. Allele origin: germline.
Comment: The KMT2D c.13183G>T variant is predicted to result in the amino acid substitution p.Val4395Leu. To our knowledge, this variant has not been reported in the literature. This variant is reported in 0.00093% of alleles in individuals of European (Non-Finnish) descent in gnomAD. At this time, the clinical significance of this variant is uncertain due to the absence of conclusive functional and genetic evidence.

Labcorp Genetics (formerly Invitae), Labcorp
Classification: Likely benign for Kabuki syndrome. Last evaluated: 2022-08-19. Review status: criteria provided, single submitter. Criteria: Invitae Variant Classification Sherloc (09022015). Collection method: clinical testing. Allele origin: germline.